The following is an entry in ClinVar:

NM_001323289.2(CDKL5):c.464-2A>C

Gene: CDKL5 (cyclin dependent kinase like 5; plus strand). Cytogenetic location: Xp22.13.
Variant type: single nucleotide variant.
Coding change: c.464-2A>C on transcript NM_001323289.2 (MANE Select); the canonical splice acceptor site of the intron before coding-DNA position 464, A replaced by C.
Molecular consequence: splice acceptor variant.
Genome position (GRCh38, 1-based): chrX:18,584,261, A>C. VCF-style: chrX-18584261-A-C. GRCh37 (hg19) VCF-style: chrX-18602381-A-C.
Other names: c.464-2A>C (NM_003159.3, NM_001037343.2).
Identifiers: ClinVar variation 1453105 (VCV001453105.6), dbSNP rs267608480, ClinGen allele CA412352081.

ClinVar aggregate classification (germline): Pathogenic (1 of 4 stars; one submission).

Conditions:
Angelman syndrome-like. Identifiers: MedGen CN128785.
Developmental and epileptic encephalopathy, 2 (DEE2). Also called: INFANTILE SPASM SYNDROME, X-LINKED 2; CDKL5 deficiency disorder. Identifiers: Orphanet 1934, Orphanet 3451, Orphanet 505652, MedGen C4750718, MONDO:0010396, OMIM 300672.

Submission:

Labcorp Genetics (formerly Invitae), Labcorp
Classification: Pathogenic for Developmental and epileptic encephalopathy, 2; Angelman syndrome-like. Last evaluated: 2021-07-24. Review status: criteria provided, single submitter. Criteria: Invitae Variant Classification Sherloc (09022015). Collection method: clinical testing. Allele origin: germline.
Comment: Disruption of this splice site has been observed in individuals with CDKL5-related conditions (PMID: 16015284, 23708187; Invitae). For these reasons, this variant has been classified as Pathogenic. Studies have shown that disruption of this splice site results in skipping of exon 8, which introduces a premature termination codon (PMID: 16015284). The resulting mRNA is expected to undergo nonsense-mediated decay. This variant is not present in population databases (ExAC no frequency). This sequence change affects an acceptor splice site in intron 7 of the CDKL5 gene. RNA analysis indicates that this variant induces altered splicing and may result in an absent or disrupted protein product.

Literature cited by the submitters: PubMed 16015284; PubMed 23708187.